The following is an entry in ClinVar:

ClinVar aggregate classification (germline): Uncertain significance (1 of 4 stars; one submission).

Conditions:
Dilated cardiomyopathy 1Z (CMD1Z). Identifiers: Orphanet 154, MedGen C2678475, MONDO:0012745, OMIM 611879.
Hypertrophic cardiomyopathy 13. Also called: TNNC1-Related Familial Hypertrophic Cardiomyopathy. Identifiers: MedGen C2750472, MONDO:0013195, OMIM 613243.

Submission:

Labcorp Genetics (formerly Invitae), Labcorp
Classification: Uncertain significance for Hypertrophic cardiomyopathy 13; Dilated cardiomyopathy 1Z. Last evaluated: 2021-10-03. Review status: criteria provided, single submitter. Criteria: Invitae Variant Classification Sherloc (09022015). Collection method: clinical testing. Allele origin: germline.
Comment: In summary, the available evidence is currently insufficient to determine the role of this variant in disease. Therefore, it has been classified as a Variant of Uncertain Significance. Algorithms developed to predict the effect of missense changes on protein structure and function are either unavailable or do not agree on the potential impact of this missense change (SIFT: "Tolerated"; PolyPhen-2: "Probably Damaging"; Align-GVGD: "Class C0"). ClinVar contains an entry for this variant (Variation ID: 1024458). This variant has not been reported in the literature in individuals affected with TNNC1-related conditions. This variant is not present in population databases (ExAC no frequency). This sequence change replaces glutamic acid with lysine at codon 66 of the TNNC1 protein (p.Glu66Lys). The glutamic acid residue is moderately conserved and there is a small physicochemical difference between glutamic acid and lysine.

NM_003280.3(TNNC1):c.196G>A (p.Glu66Lys)

Gene: TNNC1 (troponin C1, slow skeletal and cardiac type; minus strand). Cytogenetic location: 3p21.1.
Variant type: single nucleotide variant.
Coding change: c.196G>A on transcript NM_003280.3 (MANE Select); coding-DNA position 196, G replaced by A.
Protein change: p.Glu66Lys; replaces glutamic acid 66 with lysine.
Molecular consequence: missense variant.
Genome position (GRCh38, 1-based): chr3:52,452,112, C>T on the plus strand (G>A on the coding strand, the complement: TNNC1 is on the minus strand). VCF-style: chr3-52452112-C-T. GRCh37 (hg19) VCF-style: chr3-52486128-C-T.
Other names: short protein forms E66K.
Identifiers: ClinVar variation 1024458 (VCV001024458.5), dbSNP rs1706338420, ClinGen allele CA353167962.
Genomic context (GRCh38, chr3:52,452,112, plus strand): 5'-TCCAGCCCCCAGCCAGCTGGGGTTCTTCTGGAGCCTGGGGAGGAGGGGGCTCACCGTCCT[C>T]GTCCACCTCATCGATCATCTCCTGCAGCTCCTCAGGGGTGGGGTTCTGGCCCAGCATCCT-3'
Protein context (NP_003271.1, residues 56-76): ELQEMIDEVD[Glu66Lys]DGSGTVDFDE